The following is an entry in ClinVar:

ClinVar aggregate classification (germline): Uncertain significance (1 of 4 stars; one submission).

Submission:

CeGaT Center for Human Genetics Tuebingen
Classification: Uncertain significance. Last evaluated: 2025-07-01. Review status: criteria provided, single submitter. Criteria: CeGaT Center For Human Genetics Tuebingen Variant Classification Criteria Version 2. Collection method: clinical testing. Allele origin: germline. Affected: yes. Observed: 1 variant allele.
Comment: LGI1: PM2, PP2, BP5

NM_005097.4(LGI1):c.410G>T (p.Gly137Val)

Gene: LGI1 (leucine rich glioma inactivated 1; plus strand). Cytogenetic location: 10q23.33.
Variant type: single nucleotide variant.
Coding change: c.410G>T on transcript NM_005097.4 (MANE Select); coding-DNA position 410, G replaced by T.
Protein change: p.Gly137Val; replaces glycine 137 with valine.
Molecular consequence: missense variant. On other transcripts: intron variant (1).
Genome position (GRCh38, 1-based): chr10:93,777,596, G>T. VCF-style: chr10-93777596-G-T. GRCh37 (hg19) VCF-style: chr10-95537353-G-T.
Other names: c.410G>T, p.Gly137Val (NM_001308275.2); c.288-12503G>T (NM_001308276.2); short protein forms G137V.
Identifiers: ClinVar variation 4085329 (VCV004085329.8).